The following is an entry in ClinVar:

NM_001170629.2(CHD8):c.3790G>A (p.Glu1264Lys)

Gene: CHD8 (chromodomain helicase DNA binding protein 8; minus strand). Cytogenetic location: 14q11.2.
Variant type: single nucleotide variant.
Coding change: c.3790G>A on transcript NM_001170629.2 (MANE Select); coding-DNA position 3790, G replaced by A.
Protein change: p.Glu1264Lys; replaces glutamic acid 1264 with lysine.
Molecular consequence: missense variant.
Genome position (GRCh38, 1-based): chr14:21,402,428, C>T on the plus strand (G>A on the coding strand, the complement: CHD8 is on the minus strand). VCF-style: chr14-21402428-C-T. GRCh37 (hg19) VCF-style: chr14-21870587-C-T.
Other names: c.2953G>A, p.Glu985Lys (NM_020920.4); short protein forms E1264K, E985K.
Identifiers: ClinVar variation 3391491 (VCV003391491.1).

ClinVar aggregate classification (germline): Likely pathogenic (1 of 4 stars; one submission).

gnomAD v4.1: 1 of 1,614,110 alleles (0.000062%); highest among the groups gnomAD compares: Non-Finnish European, 0.000085%; no homozygotes.

Submission:

GeneDx
Classification: Likely pathogenic. Last evaluated: 2024-06-07. Review status: criteria provided, single submitter. Criteria: GeneDx Variant Classification Process June 2021. Collection method: clinical testing. Allele origin: germline. Affected: yes.
Comment: Reported in a patient with autism spectrum disorder; however, specific clinical information was not provided (PMID: 28714951); In silico analysis supports that this missense variant has a deleterious effect on protein structure/function; Not observed at significant frequency in large population cohorts (gnomAD); This variant is associated with the following publications: (PMID: 35982159, 35982160, 31981491, 28714951)